The following is an entry in ClinVar:

ClinVar aggregate classification (germline): Uncertain significance. Review status: criteria provided, multiple submitters, no conflicts (2 of 4 stars). 2 submissions from 2 submitters: Uncertain significance (2). Last evaluated 2024-04-18.

Conditions:
FG syndrome (FGS). Identifiers: MedGen C0220769, MONDO:0002010.

Submissions (2):

GeneDx
Classification: Uncertain significance. Last evaluated: 2024-04-18. Review status: criteria provided, single submitter. Criteria: GeneDx Variant Classification Process June 2021. Collection method: clinical testing. Allele origin: germline. Affected: yes.
Comment: Has not been previously published as pathogenic or benign to our knowledge; Not observed at significant frequency in large population cohorts (gnomAD); In silico analysis indicates that this missense variant does not alter protein structure/function

Labcorp Genetics (formerly Invitae), Labcorp
Classification: Uncertain significance for FG syndrome. Last evaluated: 2022-02-27. Review status: criteria provided, single submitter. Criteria: Invitae Variant Classification Sherloc (09022015). Collection method: clinical testing. Allele origin: germline.
Comment: This variant has not been reported in the literature in individuals affected with MED12-related conditions. This sequence change replaces proline, which is neutral and non-polar, with histidine, which is basic and polar, at codon 1966 of the MED12 protein (p.Pro1966His). This variant is not present in population databases (gnomAD no frequency). Advanced modeling of protein sequence and biophysical properties (such as structural, functional, and spatial information, amino acid conservation, physicochemical variation, residue mobility, and thermodynamic stability) performed at Invitae indicates that this missense variant is not expected to disrupt MED12 protein function. In summary, the available evidence is currently insufficient to determine the role of this variant in disease. Therefore, it has been classified as a Variant of Uncertain Significance.

NM_005120.3(MED12):c.5897C>A (p.Pro1966His)

Gene: MED12 (mediator complex subunit 12; plus strand). Cytogenetic location: Xq13.1.
Variant type: single nucleotide variant.
Coding change: c.5897C>A on transcript NM_005120.3 (MANE Select); coding-DNA position 5897, C replaced by A.
Protein change: p.Pro1966His; replaces proline 1966 with histidine.
Molecular consequence: missense variant.
Genome position (GRCh38, 1-based): chrX:71,137,796, C>A. VCF-style: chrX-71137796-C-A. GRCh37 (hg19) VCF-style: chrX-70357646-C-A.
Other names: c.5897C>A (NM_005120.2); short protein forms P1966H.
Identifiers: ClinVar variation 1490724 (VCV001490724.7), dbSNP rs2147830796, ClinGen allele CA413539200.
Genomic context (GRCh38, chrX:71,137,796, plus strand): 5'-CTTATGTTTCTCATGTGGGATTGCAGCAACACACAGGCCCTGCAGGTACCATGGTGCCCC[C>A]CAGCTACTCCAGCCAGCCTTACCAGAGCACCCACCCTTCTACCAATCCTACTCTTGTAGA-3'
Protein context (NP_005111.2, residues 1956-1976): HTGPAGTMVP[Pro1966His]SYSSQPYQST